The following is an entry in ClinVar:

NM_014112.5(TRPS1):c.3703A>G (p.Ile1235Val)

Gene: TRPS1 (transcriptional repressor GATA binding 1; minus strand). Cytogenetic location: 8q23.3.
Variant type: single nucleotide variant.
Coding change: c.3703A>G on transcript NM_014112.5 (MANE Select); coding-DNA position 3703, A replaced by G.
Protein change: p.Ile1235Val; replaces isoleucine 1235 with valine.
Molecular consequence: missense variant.
Genome position (GRCh38, 1-based): chr8:115,414,205, T>C on the plus strand (A>G on the coding strand, the complement: TRPS1 is on the minus strand). VCF-style: chr8-115414205-T-C. GRCh37 (hg19) VCF-style: chr8-116426433-T-C.
Other names: c.3676A>G, p.Ile1226Val (NM_001282902.3); c.3682A>G, p.Ile1228Val (NM_001282903.3); c.3664A>G, p.Ile1222Val (NM_001330599.2); short protein forms I1222V, I1228V, I1226V, I1235V.
Identifiers: ClinVar variation 2046400 (VCV002046400.5), dbSNP rs181858552, ClinGen allele CA4851455.
Genomic context (GRCh38, chr8:115,414,205, plus strand): 5'-GTCCACTGTCACCATGGCAACTCATATGCAAAGCATACATCACTTCATCCAGAAAGACAA[T>C]GCCACAGTGCACACATTTTGTTGAAAGTTCATCTTGAGTACTTCTATCAACTTTCTCTGT-3'
Protein context (NP_054831.2, residues 1225-1245): ELSTKCVHCG[Ile1235Val]VFLDEVMYAL

ClinVar aggregate classification (germline): Conflicting classifications of pathogenicity. Review status: criteria provided, conflicting classifications (1 of 4 stars). 2 submissions from 2 submitters: Uncertain significance (1); Likely benign (1). Last evaluated 2024-09-01.

Conditions:
Inborn genetic diseases. Identifiers: MedGen C0950123, MeSH D030342.
Trichorhinophalangeal syndrome, type III (TRPS3). Also called: SUGIO-KAJII SYNDROME. Identifiers: Orphanet 77258, MedGen C1860823, OMIM 190351, MONDO:0008597.
Trichorhinophalangeal dysplasia type I (TRPS1). Also called: TRPS I; TRICHORHINOPHALANGEAL SYNDROME, TYPE I. Identifiers: Orphanet 77258, MedGen C0432233, MONDO:0008596, OMIM 190350.

Allele frequency attached by ClinVar (database versions not stated): ExAC 0.00002; gnomAD exomes 0.00002; gnomAD 0.00004; TOPMed 0.00006; 1000 Genomes Project 30x 0.00016; 1000 Genomes Project 0.00020.
gnomAD v4.1: 34 of 1,614,054 alleles (0.0021%); highest among the groups gnomAD compares: East Asian, 0.02%; no homozygotes.

Submissions (2):

Labcorp Genetics (formerly Invitae), Labcorp
Classification: Uncertain significance for Trichorhinophalangeal syndrome, type III; Trichorhinophalangeal dysplasia type I. Last evaluated: 2024-09-01. Review status: criteria provided, single submitter. Criteria: Invitae Variant Classification Sherloc (09022015). Collection method: clinical testing. Allele origin: germline.
Comment: This sequence change replaces isoleucine, which is neutral and non-polar, with valine, which is neutral and non-polar, at codon 1235 of the TRPS1 protein (p.Ile1235Val). This variant is present in population databases (rs181858552, gnomAD 0.01%). This variant has not been reported in the literature in individuals affected with TRPS1-related conditions. ClinVar contains an entry for this variant (Variation ID: 2046400). Invitae Evidence Modeling of protein sequence and biophysical properties (such as structural, functional, and spatial information, amino acid conservation, physicochemical variation, residue mobility, and thermodynamic stability) indicates that this missense variant is expected to disrupt TRPS1 protein function with a positive predictive value of 80%. In summary, the available evidence is currently insufficient to determine the role of this variant in disease. Therefore, it has been classified as a Variant of Uncertain Significance.

Ambry Genetics
Classification: Likely benign for Inborn genetic diseases. Last evaluated: 2022-03-14. Review status: criteria provided, single submitter. Criteria: Ambry Variant Classification Scheme 2023. Collection method: clinical testing. Allele origin: germline.